The following is an entry in ClinVar:

NM_000516.7(GNAS):c.1132G>A (p.Asp378Asn)

Gene: GNAS (GNAS complex locus; plus strand). Cytogenetic location: 20q13.32.
Variant type: single nucleotide variant.
Coding change: c.1132G>A on transcript NM_000516.7 (MANE Select); coding-DNA position 1132, G replaced by A.
Protein change: p.Asp378Asn; replaces aspartic acid 378 with asparagine.
Molecular consequence: missense variant. On other transcripts: 3 prime UTR variant (2).
Genome position (GRCh38, 1-based): chr20:58,910,776, G>A. VCF-style: chr20-58910776-G-A. GRCh37 (hg19) VCF-style: chr20-57485831-G-A.
Other names: c.1135G>A, p.Asp379Asn (NM_001077488.5); c.1087G>A, p.Asp363Asn (NM_001077489.4); c.*993G>A (NM_001077490.3); c.955G>A, p.Asp319Asn (NM_001309840.2, NM_001309861.2, NM_001438276.1 and 1 more transcripts); c.1036G>A, p.Asp346Asn (NM_001410912.1); c.3016G>A, p.Asp1006Asn (NM_001410913.1); c.910G>A, p.Asp304Asn (NM_001438273.1, NM_001438274.1, NM_001438275.1); c.*1038G>A (NM_016592.5); and 2 more; short protein forms D346N, D363N, D1006N, D378N, D304N, D319N, D364N, D1021N.
Identifiers: ClinVar variation 5006394 (VCV005006394.2).

ClinVar aggregate classification (germline): Uncertain significance (1 of 4 stars; one submission).

Conditions:
McCune-Albright syndrome (MAS). Also called: ALBRIGHT SYNDROME; Albright's Syndrome; Albright's disease; McCune-Albright syndrome, somatic, mosaic; Fibrous Dysplasia / McCune-Albright Syndrome. Identifiers: Orphanet 562, MedGen C0242292, MONDO:0018919, OMIM 174800.
Progressive osseous heteroplasia (POH). Also called: Osseus Heteroplasia, Progressive; ECTOPIC OSSIFICATION, FAMILIAL; Progressive Osseus Heteroplasia (POH); Osteoma cutis. Identifiers: Orphanet 2762, MedGen C0334041, MONDO:0008153, OMIM 166350, HP:0025027.
Pseudohypoparathyroidism type 1B (PHP1B). Also called: PHP IB; Pseudohypoparathyroidism Type IB; Pseudohypoparathyroidism Ib (PHP-Ib). Identifiers: Orphanet 94089, MedGen C1864100, MONDO:0011301, OMIM 603233.
Pseudopseudohypoparathyroidism (PPHP). Also called: ALBRIGHT HEREDITARY OSTEODYSTROPHY WITHOUT MULTIPLE HORMONE RESISTANCE; Pseudopseudohypoparathyroidism (PPHP). Identifiers: Orphanet 79445, MedGen C0033835, MONDO:0012912, OMIM 612463.
Pseudohypoparathyroidism type 1C (PHP1C). Also called: PSEUDOHYPOPARATHYROIDISM, TYPE IC; PHP IC; Pseudohypoparathyroidism Ic (PHP-Ic). Identifiers: Orphanet 79444, MedGen C2932716, MONDO:0012911, OMIM 612462.
Pseudohypoparathyroidism type I A (PHP1A). Also called: ALBRIGHT HEREDITARY OSTEODYSTROPHY WITH MULTIPLE HORMONE RESISTANCE; Pseudohypoparathyroidism Type IA; PHP IA; Pseudohypoparathyroidism type 1A; Pseudohypoparathyroidism Ia (PHP-Ia). Identifiers: Orphanet 79443, MedGen C3494506, MONDO:0007078, OMIM 103580.
ACTH-independent macronodular adrenal hyperplasia 1 (AIMAH1). Also called: ACTH-INDEPENDENT MACRONODULAR ADRENOCORTICAL HYPERPLASIA; CUSHING SYNDROME, ADRENAL, DUE TO AIMAH; ADRENOCORTICOTROPIC HORMONE-INDEPENDENT MACRONODULAR ADRENAL HYPERPLASIA; ACTH-independent macronodular adrenal hyperplasia, somatic; CORTICOTROPIN-INDEPENDENT MACRONODULAR ADRENAL HYPERPLASIA. Identifiers: MedGen C1857451, MONDO:0020735, OMIM 219080.
Pituitary adenoma 3, multiple types. Also called: PITUITARY ADENOMA 3, GROWTH HORMONE-SECRETING, SOMATIC; PITUITARY ADENOMA 3, ACTH-SECRETING, SOMATIC. Identifiers: MedGen C4540135, MONDO:0054665, OMIM 617686.

gnomAD v4.1: 1 of 1,614,154 alleles (0.000062%); highest among the groups gnomAD compares: South Asian, 0.0011%; no homozygotes.

Submission:

Juno Genomics, Hangzhou Juno Genomics, Inc
Classification: Uncertain significance for McCune-Albright syndrome; ACTH-independent macronodular adrenal hyperplasia 1; Progressive osseous heteroplasia; Pituitary adenoma 3, multiple types; Pseudohypoparathyroidism type I A; Pseudohypoparathyroidism type 1B; Pseudohypoparathyroidism type 1C; Pseudopseudohypoparathyroidism. Review status: criteria provided, single submitter. Criteria: ACMG Guidelines, 2015. Collection method: clinical testing. Allele origin: germline.
Comment: Missense variant in a gene that has a low rate of benign missense variation.;Multiple lines of computational evidence support a deleterious effect on the gene or gene product.;Absent from controls (or at extremely low frequency if recessive) in Genome Aggregation Database.